The following is an entry in ClinVar:

ClinVar aggregate classification (germline): Uncertain significance. Review status: criteria provided, multiple submitters, no conflicts (2 of 4 stars). 2 submissions from 2 submitters: Uncertain significance (2). Last evaluated 2025-09-25.

Conditions:
Inborn genetic diseases. Identifiers: MedGen C0950123, MeSH D030342.

Submissions (2):

Ambry Genetics
Classification: Uncertain significance for Inborn genetic diseases. Last evaluated: 2025-09-25. Review status: criteria provided, single submitter. Criteria: Ambry Variant Classification Scheme 2023. Collection method: clinical testing. Allele origin: germline.

Labcorp Genetics (formerly Invitae), Labcorp
Classification: Uncertain significance. Last evaluated: 2024-08-27. Review status: criteria provided, single submitter. Criteria: Invitae Variant Classification Sherloc (09022015). Collection method: clinical testing. Allele origin: germline.
Comment: This sequence change replaces glycine, which is neutral and non-polar, with alanine, which is neutral and non-polar, at codon 2328 of the FLNB protein (p.Gly2328Ala). This variant is not present in population databases (gnomAD no frequency). This variant has not been reported in the literature in individuals affected with FLNB-related conditions. Invitae Evidence Modeling of protein sequence and biophysical properties (such as structural, functional, and spatial information, amino acid conservation, physicochemical variation, residue mobility, and thermodynamic stability) indicates that this missense variant is not expected to disrupt FLNB protein function with a negative predictive value of 95%. In summary, the available evidence is currently insufficient to determine the role of this variant in disease. Therefore, it has been classified as a Variant of Uncertain Significance.

NM_001457.4(FLNB):c.6983G>C (p.Gly2328Ala)

Gene: FLNB (filamin B; plus strand). Cytogenetic location: 3p14.3.
Variant type: single nucleotide variant.
Coding change: c.6983G>C on transcript NM_001457.4 (MANE Select); coding-DNA position 6983, G replaced by C.
Protein change: p.Gly2328Ala; replaces glycine 2328 with alanine.
Molecular consequence: missense variant.
Genome position (GRCh38, 1-based): chr3:58,159,648, G>C. VCF-style: chr3-58159648-G-C. GRCh37 (hg19) VCF-style: chr3-58145375-G-C.
Other names: c.7076G>C, p.Gly2359Ala (NM_001164317.2); c.6950G>C, p.Gly2317Ala (NM_001164318.2); c.6911G>C, p.Gly2304Ala (NM_001164319.2); c.6983G>C (NM_001457.3); short protein forms G2359A, G2317A, G2304A, G2328A.
Identifiers: ClinVar variation 3635754 (VCV003635754.3).